The following is an entry in ClinVar:

ClinVar aggregate classification (germline): Uncertain significance (1 of 4 stars; one submission).

Conditions:
Charcot-Marie-Tooth disease type 2. Also called: Charcot-Marie-Tooth type 2. Identifiers: Orphanet 64746, MedGen C0270914, MONDO:0018993.

Allele frequency attached by ClinVar (database versions not stated): gnomAD exomes 0.00001; gnomAD 0.00001; TOPMed 0.00002; ExAC 0.00003.
gnomAD v4.1: 22 of 1,613,288 alleles (0.0014%); highest among the groups gnomAD compares: East Asian, 0.0022%; no homozygotes.

Submission:

Labcorp Genetics (formerly Invitae), Labcorp
Classification: Uncertain significance for Charcot-Marie-Tooth disease type 2. Last evaluated: 2025-03-03. Review status: criteria provided, single submitter. Criteria: Invitae Variant Classification Sherloc (09022015). Collection method: clinical testing. Allele origin: germline.
Comment: This sequence change replaces proline, which is neutral and non-polar, with leucine, which is neutral and non-polar, at codon 217 of the MED25 protein (p.Pro217Leu). This variant is present in population databases (rs780195704, gnomAD 0.01%). This variant has not been reported in the literature in individuals affected with MED25-related conditions. ClinVar contains an entry for this variant (Variation ID: 2428255). An algorithm developed to predict the effect of missense changes on protein structure and function (PolyPhen-2) suggests that this variant is likely to be disruptive. In summary, the available evidence is currently insufficient to determine the role of this variant in disease. Therefore, it has been classified as a Variant of Uncertain Significance.

NM_030973.4(MED25):c.650C>T (p.Pro217Leu)

Gene: MED25 (mediator complex subunit 25; plus strand). Cytogenetic location: 19q13.33.
Variant type: single nucleotide variant.
Coding change: c.650C>T on transcript NM_030973.4 (MANE Select); coding-DNA position 650, C replaced by T.
Protein change: p.Pro217Leu; replaces proline 217 with leucine.
Molecular consequence: missense variant.
Genome position (GRCh38, 1-based): chr19:49,829,910, C>T. VCF-style: chr19-49829910-C-T. GRCh37 (hg19) VCF-style: chr19-50333167-C-T.
Other names: c.650C>T, p.Pro217Leu (NM_001378355.1); short protein forms P217L.
Identifiers: ClinVar variation 2428255 (VCV002428255.6), dbSNP rs780195704, ClinGen allele CA9584946.
Genomic context (GRCh38, chr19:49,829,910, plus strand): 5'-AGGCAGCCCCCCCGGCCTTGCTGGAGCCGCTGCAGCCTCCGACAGATGTGAGCCAGGACC[C>T]GAGGCACATGGTGCTGGTTCGGGGACTCGTGCTGCCTGGTGAGGCCTGGGCACCGTGCGC-3'
Protein context (NP_112235.2, residues 207-227): LQPPTDVSQD[Pro217Leu]RHMVLVRGLV